The following is an entry in ClinVar:

ClinVar aggregate classification (germline): Uncertain significance. Review status: criteria provided, multiple submitters, no conflicts (2 of 4 stars). 2 submissions from 2 submitters: Uncertain significance (2). Last evaluated 2022-11-09.

Conditions:
Cardiovascular phenotype. Identifiers: MedGen CN230736.

Allele frequency attached by ClinVar (database versions not stated): gnomAD exomes below 0.00001; TOPMed below 0.00001.
gnomAD v4.1: 2 of 1,614,030 alleles (0.00012%); highest among the groups gnomAD compares: East Asian, 0.0022%; no homozygotes.

Submissions (2):

Labcorp Genetics (formerly Invitae), Labcorp
Classification: Uncertain significance. Last evaluated: 2022-11-09. Review status: criteria provided, single submitter. Criteria: Invitae Variant Classification Sherloc (09022015). Collection method: clinical testing. Allele origin: germline.
Comment: In summary, the available evidence is currently insufficient to determine the role of this variant in disease. Therefore, it has been classified as a Variant of Uncertain Significance. Algorithms developed to predict the effect of missense changes on protein structure and function output the following: SIFT: "Tolerated"; PolyPhen-2: "Benign"; Align-GVGD: "Class C0". The arginine amino acid residue is found in multiple mammalian species, which suggests that this missense change does not adversely affect protein function. This variant has not been reported in the literature in individuals affected with ALPK3-related conditions. This variant is present in population databases (no rsID available, gnomAD 0.006%). This sequence change replaces glutamine, which is neutral and polar, with arginine, which is basic and polar, at codon 1024 of the ALPK3 protein (p.Gln1024Arg).

Ambry Genetics
Classification: Uncertain significance for Cardiovascular phenotype. Last evaluated: 2021-01-05. Review status: criteria provided, single submitter. Criteria: Ambry Variant Classification Scheme 2023. Collection method: clinical testing. Allele origin: germline.
Comment: The p.Q1024R variant (also known as c.3071A>G), located in coding exon 6 of the ALPK3 gene, results from an A to G substitution at nucleotide position 3071. The glutamine at codon 1024 is replaced by arginine, an amino acid with highly similar properties. This amino acid position is poorly conserved in available vertebrate species. In addition, this alteration is predicted to be tolerated by in silico analysis. Since supporting evidence is limited at this time, the clinical significance of this alteration remains unclear.

NM_020778.5(ALPK3):c.2465A>G (p.Gln822Arg)

Gene: ALPK3 (alpha kinase 3; plus strand). Cytogenetic location: 15q25.3.
Variant type: single nucleotide variant.
Coding change: c.2465A>G on transcript NM_020778.5 (MANE Select); coding-DNA position 2465, A replaced by G.
Protein change: p.Gln822Arg; replaces glutamine 822 with arginine.
Molecular consequence: missense variant.
Genome position (GRCh38, 1-based): chr15:84,857,203, A>G. VCF-style: chr15-84857203-A-G. GRCh37 (hg19) VCF-style: chr15-85400434-A-G.
Other names: short protein forms Q822R.
Identifiers: ClinVar variation 1799500 (VCV001799500.5), dbSNP rs1417828932, ClinGen allele CA393357245.